The following is an entry in ClinVar:

ClinVar aggregate classification (germline): Uncertain significance. Review status: criteria provided, single submitter (1 of 4 stars). 2 submissions from 2 submitters: Uncertain significance (1). 1 of the submissions does not count toward it. Last evaluated 2020-10-26.

Conditions:
Charcot-Marie-Tooth disease. Also called: Charcot-Marie-Tooth Hereditary Neuropathy; Charcot-Marie-Tooth Neuropathy. Identifiers: Orphanet 166, MedGen C0007959, MONDO:0015626.
Charcot-Marie-Tooth Neuropathy X. Identifiers: MedGen CN118851.

Submissions (2):

Labcorp Genetics (formerly Invitae), Labcorp
Classification: Uncertain significance for Charcot-Marie-Tooth Neuropathy X. Last evaluated: 2020-10-26. Review status: criteria provided, single submitter. Criteria: Invitae Variant Classification Sherloc (09022015). Collection method: clinical testing. Allele origin: germline.
Comment: This sequence change replaces leucine with arginine at codon 83 of the GJB1 protein (p.Leu83Arg). The leucine residue is highly conserved and there is a moderate physicochemical difference between leucine and arginine. In summary, the available evidence is currently insufficient to determine the role of this variant in disease. Therefore, it has been classified as a Variant of Uncertain Significance. This variant disrupts the p.Leu83 amino acid residue in GJB1. Other variant(s) that disrupt this residue have been observed in individuals with GJB1-related conditions (PMID: 10093067), which suggests that this may be a clinically significant amino acid residue. Experimental studies are conflicting or provide insufficient evidence to determine the effect of this variant on GJB1 protein function (PMID: 30737405). This variant has been observed in individual(s) with Charcot-Marie-Tooth disease (CMT) (PMID: 23011429, Invitae). ClinVar contains an entry for this variant (Variation ID: 637242). This variant is not present in population databases (ExAC no frequency).

Inherited Neuropathy Consortium
Classification: Uncertain significance for Charcot-Marie-Tooth disease. Review status: no assertion criteria provided. Collection method: literature only. Allele origin: germline. Affected: yes. Not counted in ClinVar's aggregate classification.

Literature cited by the submitters: PubMed 10093067 (cited by Labcorp Genetics (formerly Invitae), Labcorp and Inherited Neuropathy Consortium); PubMed 30737405 (cited by Labcorp Genetics (formerly Invitae), Labcorp); PubMed 23011429 (cited by Labcorp Genetics (formerly Invitae), Labcorp).

NM_000166.6(GJB1):c.248T>G (p.Leu83Arg)

Gene: GJB1 (gap junction protein beta 1; plus strand). Cytogenetic location: Xq13.1.
Variant type: single nucleotide variant.
Coding change: c.248T>G on transcript NM_000166.6 (MANE Select); coding-DNA position 248, T replaced by G.
Protein change: p.Leu83Arg; replaces leucine 83 with arginine.
Molecular consequence: missense variant.
Genome position (GRCh38, 1-based): chrX:71,223,955, T>G. VCF-style: chrX-71223955-T-G. GRCh37 (hg19) VCF-style: chrX-70443805-T-G.
Other names: c.248T>G, p.Leu83Arg (NM_001097642.3); short protein forms L83R.
Identifiers: ClinVar variation 637242 (VCV000637242.9), dbSNP rs1602349004, ClinGen allele CA413501652.
Genomic context (GRCh38, chrX:71,223,955, plus strand): 5'-TTTGCTATGACCAATTCTTCCCCATCTCCCATGTGCGGCTGTGGTCCCTGCAGCTCATCC[T>G]AGTTTCCACCCCAGCTCTCCTCGTGGCCATGCACGTGGCTCACCAGCAACACATAGAGAA-3'
Protein context (NP_000157.1, residues 73-93): HVRLWSLQLI[Leu83Arg]VSTPALLVAM